The following is an entry in ClinVar:

ClinVar aggregate classification (germline): Uncertain significance (1 of 4 stars; one submission).

Allele frequency attached by ClinVar (database versions not stated): gnomAD 0.00001; TOPMed 0.00001.
gnomAD v4.1: 1 of 1,614,000 alleles (0.000062%); highest among the groups gnomAD compares: Non-Finnish European, 0.000085%; no homozygotes.

Submission:

Labcorp Genetics (formerly Invitae), Labcorp
Classification: Uncertain significance. Last evaluated: 2022-06-04. Review status: criteria provided, single submitter. Criteria: Invitae Variant Classification Sherloc (09022015). Collection method: clinical testing. Allele origin: germline.
Comment: This sequence change replaces alanine, which is neutral and non-polar, with serine, which is neutral and polar, at codon 376 of the FZD2 protein (p.Ala376Ser). This variant is not present in population databases (gnomAD no frequency). This variant has not been reported in the literature in individuals affected with FZD2-related conditions. Algorithms developed to predict the effect of missense changes on protein structure and function (SIFT, PolyPhen-2, Align-GVGD) all suggest that this variant is likely to be disruptive. In summary, the available evidence is currently insufficient to determine the role of this variant in disease. Therefore, it has been classified as a Variant of Uncertain Significance.

NM_001466.4(FZD2):c.1126G>T (p.Ala376Ser)

Gene: FZD2 (frizzled class receptor 2; plus strand). Cytogenetic location: 17q21.31.
Variant type: single nucleotide variant.
Coding change: c.1126G>T on transcript NM_001466.4 (MANE Select); coding-DNA position 1126, G replaced by T.
Protein change: p.Ala376Ser; replaces alanine 376 with serine.
Molecular consequence: missense variant.
Genome position (GRCh38, 1-based): chr17:44,558,814, G>T. VCF-style: chr17-44558814-G-T. GRCh37 (hg19) VCF-style: chr17-42636182-G-T.
Other names: short protein forms A376S.
Identifiers: ClinVar variation 2038257 (VCV002038257.4), dbSNP rs1414226071, ClinGen allele CA399797939.